The following is an entry in ClinVar:

ClinVar aggregate classification (germline): Uncertain significance (1 of 4 stars; one submission).

Conditions:
Hypertrophic cardiomyopathy. Also called: HYPERTROPHIC MYOCARDIOPATHY. Identifiers: Orphanet 217569, MedGen C0007194, MeSH D002312, MONDO:0005045, HP:0001639.

Submission:

Labcorp Genetics (formerly Invitae), Labcorp
Classification: Uncertain significance for Hypertrophic cardiomyopathy. Last evaluated: 2023-03-18. Review status: criteria provided, single submitter. Criteria: Invitae Variant Classification Sherloc (09022015). Collection method: clinical testing. Allele origin: germline.
Comment: In summary, the available evidence is currently insufficient to determine the role of this variant in disease. Therefore, it has been classified as a Variant of Uncertain Significance. Advanced modeling of protein sequence and biophysical properties (such as structural, functional, and spatial information, amino acid conservation, physicochemical variation, residue mobility, and thermodynamic stability) performed at Invitae indicates that this missense variant is expected to disrupt MYH7 protein function. This variant has not been reported in the literature in individuals affected with MYH7-related conditions. This variant is not present in population databases (gnomAD no frequency). This sequence change replaces aspartic acid, which is acidic and polar, with tyrosine, which is neutral and polar, at codon 1068 of the MYH7 protein (p.Asp1068Tyr).

NM_000257.4(MYH7):c.3202G>T (p.Asp1068Tyr)

Gene: MYH7 (myosin heavy chain 7; minus strand). Cytogenetic location: 14q11.2.
Variant type: single nucleotide variant.
Coding change: c.3202G>T on transcript NM_000257.4 (MANE Select); coding-DNA position 3202, G replaced by T.
Protein change: p.Asp1068Tyr; replaces aspartic acid 1068 with tyrosine.
Molecular consequence: missense variant.
Genome position (GRCh38, 1-based): chr14:23,422,223, C>A on the plus strand (G>T on the coding strand, the complement: MYH7 is on the minus strand). VCF-style: chr14-23422223-C-A. GRCh37 (hg19) VCF-style: chr14-23891432-C-A.
Other names: c.3202G>T, p.Asp1068Tyr (NM_001407004.1); short protein forms D1068Y.
Identifiers: ClinVar variation 2847212 (VCV002847212.3), dbSNP rs2138658795, ClinGen allele CA389045211.
Genomic context (GRCh38, chr14:23,422,223, plus strand): 5'-GGGAGGGGACACAGTACTTTTTCAGCCGCTCATCCAGCTGCTGCTTGTCATTCTCCAGGT[C>A]CATGATGCTCTCCTGGGTCAGCTTCAGGTCGCCCTCCAGCTTCCGCTTCGCTCGCTCCAG-3'
Protein context (NP_000248.2, residues 1058-1078): DLKLTQESIM[Asp1068Tyr]LENDKQQLDE